The following is an entry in ClinVar:

NM_003384.3(VRK1):c.831-4A>G

Gene: VRK1 (VRK serine/threonine kinase 1; plus strand). Cytogenetic location: 14q32.2.
Variant type: single nucleotide variant.
Coding change: c.831-4A>G on transcript NM_003384.3 (MANE Select); 4 bases into the intron before coding-DNA position 831, A replaced by G.
Molecular consequence: intron variant.
Genome position (GRCh38, 1-based): chr14:96,856,524, A>G. VCF-style: chr14-96856524-A-G. GRCh37 (hg19) VCF-style: chr14-97322861-A-G.
Other names: c.831-4A>G (NM_001411051.1, NM_001411053.1).
Identifiers: ClinVar variation 4705824 (VCV004705824.1).

ClinVar aggregate classification (germline): Uncertain significance (1 of 4 stars; one submission).

Conditions:
Pontocerebellar hypoplasia type 1A (PCH1A). Also called: PONTOCEREBELLAR HYPOPLASIA WITH ANTERIOR HORN CELL DISEASE; PONTOCEREBELLAR HYPOPLASIA WITH INFANTILE SPINAL MUSCULAR ATROPHY. Identifiers: Orphanet 2254, Orphanet 88616, MedGen C1843504, MONDO:0011866, OMIM 607596.

gnomAD v4.1: 3 of 1,611,736 alleles (0.00019%); highest among the groups gnomAD compares: Admixed American, 0.005%; no homozygotes.

Submission:

Labcorp Genetics (formerly Invitae), Labcorp
Classification: Uncertain significance for Pontocerebellar hypoplasia type 1A. Last evaluated: 2025-06-15. Review status: criteria provided, single submitter. Criteria: Invitae Variant Classification Sherloc (09022015). Collection method: clinical testing. Allele origin: germline.
Comment: This sequence change falls in intron 9 of the VRK1 gene. It does not directly change the encoded amino acid sequence of the VRK1 protein. This variant is present in population databases (no rsID available, gnomAD 0.009%). This variant has not been reported in the literature in individuals affected with VRK1-related conditions. Algorithms developed to predict the effect of sequence changes on RNA splicing suggest that this variant may disrupt the consensus splice site. In summary, the available evidence is currently insufficient to determine the role of this variant in disease. Therefore, it has been classified as a Variant of Uncertain Significance.